The following is an entry in ClinVar:

NC_000012.11:g.(?_122745788)_(122750955_?)del

Gene: VPS33A (VPS33A core subunit of CORVET and HOPS complexes; minus strand). Cytogenetic location: 12q24.31.
Variant type: Deletion.
Identifiers: ClinVar variation 1423115 (VCV001423115.5).

ClinVar aggregate classification (germline): Uncertain significance (1 of 4 stars; one submission).

Submission:

Labcorp Genetics (formerly Invitae), Labcorp
Classification: Uncertain significance. Last evaluated: 2022-02-05. Review status: criteria provided, single submitter. Criteria: Invitae Variant Classification Sherloc (09022015). Collection method: clinical testing. Allele origin: germline.
Comment: This variant is a gross deletion of the genomic region encompassing exon(s) 1-4 of the VPS33A gene, which includes the initiator codon. This deletion extends beyond the assayed region for this gene and therefore may encompass additional genes. It is expected to result in an absent or disrupted protein product. However, the current clinical and genetic evidence is not sufficient to establish whether loss-of-function variants in VPS33A cause disease. This variant has not been reported in the literature in individuals affected with VPS33A-related conditions. In summary, the available evidence is currently insufficient to determine the role of this variant in disease. Therefore, it has been classified as a Variant of Uncertain Significance.